The following is an entry in ClinVar:

NM_001374259.2(IL12RB2):c.1946+3G>C

Gene: IL12RB2 (interleukin 12 receptor subunit beta 2; plus strand). Cytogenetic location: 1p31.3.
Variant type: single nucleotide variant.
Coding change: c.1946+3G>C on transcript NM_001374259.2 (MANE Select); 3 bases into the intron after coding-DNA position 1946, G replaced by C.
Molecular consequence: intron variant.
Genome position (GRCh38, 1-based): chr1:67,386,672, G>C. VCF-style: chr1-67386672-G-C. GRCh37 (hg19) VCF-style: chr1-67852355-G-C.
Other names: c.1946+3G>C (NM_001559.3, NM_001258214.1, NM_001319233.1); c.1855+6549G>C (NM_001258216.1); c.1688+3G>C (NM_001258215.1).
Identifiers: ClinVar variation 3676823 (VCV003676823.2).

ClinVar aggregate classification (germline): Uncertain significance (1 of 4 stars; one submission).

gnomAD v4.1: 12 of 1,592,556 alleles (0.00075%); highest among the groups gnomAD compares: Non-Finnish European, 0.00086%; no homozygotes.

Submission:

Labcorp Genetics (formerly Invitae), Labcorp
Classification: Uncertain significance. Last evaluated: 2025-10-01. Review status: criteria provided, single submitter. Criteria: Invitae Variant Classification Sherloc (09022015). Collection method: clinical testing. Allele origin: germline.
Comment: This sequence change falls in intron 14 of the IL12RB2 gene. It does not directly change the encoded amino acid sequence of the IL12RB2 protein. It affects a nucleotide within the consensus splice site. This variant is present in population databases (rs764555439, gnomAD 0.002%). This variant has not been reported in the literature in individuals affected with IL12RB2-related conditions. ClinVar contains an entry for this variant (Variation ID: 3676823). Variants that disrupt the consensus splice site are a relatively common cause of aberrant splicing (PMID: 17576681, 9536098). Algorithms developed to predict the effect of sequence changes on RNA splicing suggest that this variant may disrupt the consensus splice site. In summary, the available evidence is currently insufficient to determine the role of this variant in disease. Therefore, it has been classified as a Variant of Uncertain Significance.

Literature cited by the submitters: PubMed 17576681; PubMed 9536098.